The following is an entry in ClinVar:

ClinVar aggregate classification (germline): Conflicting classifications of pathogenicity. Review status: criteria provided, conflicting classifications (1 of 4 stars). 2 submissions from 2 submitters: Uncertain significance (1); Likely benign (1). Last evaluated 2023-06-01.

Conditions:
Pseudohypoaldosteronism type 2E (PHA2E). Also called: Pseudohypoaldosteronism Type IIE. Identifiers: Orphanet 300530, Orphanet 757, MedGen C3469606, MONDO:0013782, OMIM 614496.

Allele frequency attached by ClinVar (database versions not stated): 1000 Genomes Project 0.00020; TOPMed 0.00039; 1000 Genomes Project 30x 0.00047; gnomAD exomes 0.00056; gnomAD 0.00067.
gnomAD v4.1: 143 of 258,484 alleles (0.055%); highest among the groups gnomAD compares: South Asian, 0.18%; no homozygotes.

Submissions (2):

CeGaT Center for Human Genetics Tuebingen
Classification: Likely benign. Last evaluated: 2023-06-01. Review status: criteria provided, single submitter. Criteria: CeGaT Center For Human Genetics Tuebingen Variant Classification Criteria Version 2. Collection method: clinical testing. Allele origin: germline. Affected: yes. Observed: 2 variant alleles.
Comment: CUL3: BS1

Illumina Laboratory Services, Illumina
Classification: Uncertain significance for Pseudohypoaldosteronism type 2E. Last evaluated: 2018-01-13. Review status: criteria provided, single submitter. Criteria: ICSL Variant Classification Criteria 13 December 2019. Collection method: clinical testing. Allele origin: germline.

NM_003590.5(CUL3):c.*294A>G

Gene: CUL3 (cullin 3; minus strand). Cytogenetic location: 2q36.2.
Variant type: single nucleotide variant.
Coding change: c.*294A>G on transcript NM_003590.5 (MANE Select); 294 bases downstream of the stop codon, A replaced by G.
Molecular consequence: 3 prime UTR variant.
Genome position (GRCh38, 1-based): chr2:224,473,951, T>C on the plus strand (A>G on the coding strand, the complement: CUL3 is on the minus strand). VCF-style: chr2-224473951-T-C. GRCh37 (hg19) VCF-style: chr2-225338668-T-C.
Other names: c.*294A>G (NM_001257197.2, NM_001257198.2).
Identifiers: ClinVar variation 334622 (VCV000334622.33), dbSNP rs532967850, ClinGen allele CA10614375.